The following is an entry in ClinVar:

NM_000789.4(ACE):c.3836G>A (p.Arg1279Gln)

Gene: ACE (angiotensin I converting enzyme; plus strand). Cytogenetic location: 17q23.3.
Variant type: single nucleotide variant.
Coding change: c.3836G>A on transcript NM_000789.4 (MANE Select); coding-DNA position 3836, G replaced by A.
Protein change: p.Arg1279Gln; replaces arginine 1279 with glutamine.
Molecular consequence: missense variant.
Genome position (GRCh38, 1-based): chr17:63,497,281, G>A. VCF-style: chr17-63497281-G-A. GRCh37 (hg19) VCF-style: chr17-61574642-G-A.
Other names: c.1991G>A, p.Arg664Gln (NM_001178057.2); c.2114G>A, p.Arg705Gln (NM_152830.3); short protein forms R1279Q, R664Q, R705Q.
Identifiers: ClinVar variation 256807 (VCV000256807.41), dbSNP rs4980, ClinGen allele CA8700675.
Genomic context (GRCh38, chr17:63,497,281, plus strand): 5'-AGTGGCTGCTGCTCTTCCTGGGCATCGCCCTGCTGGTAGCCACCCTGGGCCTCAGCCAGC[G>A]GCTCTTCAGCATCCGCCACCGCAGCCTCCACCGGCACTCCCACGGGCCCCAGTTCGGCTC-3'
Protein context (NP_000780.1, residues 1269-1289): LLVATLGLSQ[Arg1279Gln]LFSIRHRSLH

ClinVar aggregate classification (germline): Benign/Likely benign. Review status: criteria provided, multiple submitters, no conflicts (2 of 4 stars). 5 submissions from 5 submitters: Benign (2); Likely benign (3). Last evaluated 2026-05-01.

Conditions:
Renal tubular dysgenesis. Also called: Renotubular dysgenesis. Identifiers: Orphanet 3033, MedGen C0266313, MONDO:0017609, HP:0008660.

Allele frequency attached by ClinVar (database versions not stated): 1000 Genomes Project 30x 0.00328; 1000 Genomes Project 0.00359; ESP Exome Variant Server 0.00454; TOPMed 0.00493; gnomAD 0.00525 and 0.00541.
gnomAD v4.1: 8,210 of 1,557,882 alleles (0.53%); highest among the groups gnomAD compares: Middle Eastern, 0.96%; 26 homozygotes.

Submissions (5):

CeGaT Center for Human Genetics Tuebingen
Classification: Likely benign. Last evaluated: 2026-05-01. Review status: criteria provided, single submitter. Criteria: CeGaT Center For Human Genetics Tuebingen Variant Classification Criteria Version 2. Collection method: clinical testing. Allele origin: germline. Affected: yes. Observed: 7 variant alleles.
Comment: ACE: BP4, BS2

Labcorp Genetics (formerly Invitae), Labcorp
Classification: Benign. Last evaluated: 2026-01-19. Review status: criteria provided, single submitter. Criteria: Invitae Variant Classification Sherloc (09022015). Collection method: clinical testing. Allele origin: germline.

Illumina Laboratory Services, Illumina
Classification: Likely benign for Renal tubular dysgenesis of genetic origin. Last evaluated: 2018-01-13. Review status: criteria provided, single submitter. Criteria: ICSL Variant Classification Criteria 13 December 2019. Collection method: clinical testing. Allele origin: germline.
Comment: This variant was observed in the ICSL laboratory as part of a predisposition screen in an ostensibly healthy population. It had not been previously curated by ICSL or reported in the Human Gene Mutation Database (HGMD: prior to June 1st, 2018), and was therefore a candidate for classification through an automated scoring system. Utilizing variant allele frequency, disease prevalence and penetrance estimates, and inheritance mode, an automated score was calculated to assess if this variant is too frequent to cause the disease. Based on the score and internal cut-off values, a variant classified as likely benign is not then subjected to further curation. The score for this variant resulted in a classification of likely benign for this disease.

Breakthrough Genomics
Classification: Likely benign. Review status: criteria provided, single submitter. Criteria: ACMG Guidelines, 2015. Collection method: not provided. Allele origin: germline. Inheritance: Autosomal recessive inheritance. Affected: yes.

PreventionGenetics, part of Exact Sciences
Classification: Benign. Review status: criteria provided, single submitter. Criteria: ACMG Guidelines, 2015. Collection method: clinical testing. Allele origin: germline.